The following is an entry in ClinVar:

ClinVar aggregate classification (germline): Uncertain significance (1 of 4 stars; one submission).

Submission:

Ambry Genetics
Classification: Uncertain significance. Last evaluated: 2021-11-02. Review status: criteria provided, single submitter. Criteria: Ambry Variant Classification Scheme 2023. Collection method: clinical testing. Allele origin: germline.
Comment: The p.C281Y variant (also known as c.842G>A), located in coding exon 9 of the FAM175A gene, results from a G to A substitution at nucleotide position 842. The cysteine at codon 281 is replaced by tyrosine, an amino acid with highly dissimilar properties. This amino acid position is conserved. In addition, the in silico prediction for this alteration is inconclusive. Since supporting evidence is limited at this time, the clinical significance of this alteration remains unclear.

NM_139076.3(ABRAXAS1):c.842G>A (p.Cys281Tyr)

Gene: ABRAXAS1 (abraxas 1, BRCA1 A complex subunit; minus strand). Cytogenetic location: 4q21.23.
Variant type: single nucleotide variant.
Coding change: c.842G>A on transcript NM_139076.3 (MANE Select); coding-DNA position 842, G replaced by A.
Protein change: p.Cys281Tyr; replaces cysteine 281 with tyrosine.
Molecular consequence: missense variant.
Genome position (GRCh38, 1-based): chr4:83,462,857, C>T on the plus strand (G>A on the coding strand, the complement: ABRAXAS1 is on the minus strand). VCF-style: chr4-83462857-C-T. GRCh37 (hg19) VCF-style: chr4-84384010-C-T.
Other names: c.515G>A, p.Cys172Tyr (NM_001345962.2); short protein forms C172Y, C281Y.
Identifiers: ClinVar variation 1799799 (VCV001799799.2), dbSNP rs2529419356, ClinGen allele CA357256627.